The following is an entry in ClinVar:

NM_000937.5(POLR2A):c.2271G>C (p.Gln757His)

Gene: POLR2A (RNA polymerase II subunit A; plus strand). Cytogenetic location: 17p13.1.
Variant type: single nucleotide variant.
Coding change: c.2271G>C on transcript NM_000937.5 (MANE Select); coding-DNA position 2271, G replaced by C.
Protein change: p.Gln757His; replaces glutamine 757 with histidine.
Molecular consequence: missense variant.
Genome position (GRCh38, 1-based): chr17:7,501,651, G>C. VCF-style: chr17-7501651-G-C. GRCh37 (hg19) VCF-style: chr17-7404970-G-C.
Other names: short protein forms Q757H.
Identifiers: ClinVar variation 2500663 (VCV002500663.1), dbSNP rs2508136782, ClinGen allele CA397886709.

ClinVar aggregate classification (germline): Uncertain significance (1 of 4 stars; one submission).

Submission:

GeneDx
Classification: Uncertain significance. Last evaluated: 2022-10-31. Review status: criteria provided, single submitter. Criteria: GeneDx Variant Classification Process June 2021. Collection method: clinical testing. Allele origin: germline. Affected: yes.
Comment: Not observed at significant frequency in large population cohorts (gnomAD); In silico analysis supports that this missense variant has a deleterious effect on protein structure/function; Has not been previously published as pathogenic or benign to our knowledge